The following is an entry in ClinVar:

NM_020937.4(FANCM):c.1550C>G (p.Thr517Arg)

Gene: FANCM (FA complementation group M; plus strand). Cytogenetic location: 14q21.2.
Variant type: single nucleotide variant.
Coding change: c.1550C>G on transcript NM_020937.4 (MANE Select); coding-DNA position 1550, C replaced by G.
Protein change: p.Thr517Arg; replaces threonine 517 with arginine.
Molecular consequence: missense variant.
Genome position (GRCh38, 1-based): chr14:45,159,249, C>G. VCF-style: chr14-45159249-C-G. GRCh37 (hg19) VCF-style: chr14-45628452-C-G.
Other names: c.1472C>G, p.Thr491Arg (NM_001308133.2); c.1550C>G, p.Thr517Arg (NM_001308134.2); short protein forms T491R, T517R.
Identifiers: ClinVar variation 4871037 (VCV004871037.1).

ClinVar aggregate classification (germline): Uncertain significance (1 of 4 stars; one submission).

Conditions:
Inborn genetic diseases. Identifiers: MedGen C0950123, MeSH D030342.

gnomAD v4.1: 2 of 1,613,138 alleles (0.00012%); highest among the groups gnomAD compares: East Asian, 0.0022%; no homozygotes.

Submission:

Ambry Genetics
Classification: Uncertain significance for Inborn genetic diseases. Last evaluated: 2026-03-21. Review status: criteria provided, single submitter. Criteria: Ambry Variant Classification Scheme 2023. Collection method: clinical testing. Allele origin: germline.
Comment: The p.T517R variant (also known as c.1550C>G), located in coding exon 9 of the FANCM gene, results from a C to G substitution at nucleotide position 1550. The threonine at codon 517 is replaced by arginine, an amino acid with similar properties. This amino acid position is conserved. In addition, this alteration is predicted to be tolerated by in silico analysis. Based on the available evidence, the clinical significance of this variant remains unclear.